The following is an entry in ClinVar:

NM_002291.3(LAMB1):c.5347A>G (p.Ser1783Gly)

Gene: LAMB1 (laminin subunit beta 1; minus strand). Cytogenetic location: 7q31.1.
Variant type: single nucleotide variant.
Coding change: c.5347A>G on transcript NM_002291.3 (MANE Select); coding-DNA position 5347, A replaced by G.
Protein change: p.Ser1783Gly; replaces serine 1783 with glycine.
Molecular consequence: missense variant.
Genome position (GRCh38, 1-based): chr7:107,923,965, T>C on the plus strand (A>G on the coding strand, the complement: LAMB1 is on the minus strand). VCF-style: chr7-107923965-T-C. GRCh37 (hg19) VCF-style: chr7-107564410-T-C.
Other names: short protein forms S1783G.
Identifiers: ClinVar variation 561154 (VCV000561154.3), dbSNP rs374245297, ClinGen allele CA4434762.

ClinVar aggregate classification (germline): Uncertain significance. Review status: criteria provided, multiple submitters, no conflicts (2 of 4 stars). 2 submissions from 2 submitters: Uncertain significance (2). Last evaluated 2022-12-01.

Conditions:
Cobblestone lissencephaly without muscular or ocular involvement. Also called: LEUKOENCEPHALOPATHY WITH VARIABLE CORTICAL BRAIN MALFORMATIONS AND/OR HYDROCEPHALUS; Lissencephaly 5. Identifiers: Orphanet 352682, MedGen C3554657, MONDO:0014077, OMIM 615191.

Allele frequency attached by ClinVar (database versions not stated): gnomAD 0.00004 and 0.00003; TOPMed 0.00003; ESP Exome Variant Server 0.00008.
gnomAD v4.1: 91 of 1,609,692 alleles (0.0057%); highest among the groups gnomAD compares: Non-Finnish European, 0.0075%; no homozygotes.

Submissions (2):

GeneDx
Classification: Uncertain significance. Last evaluated: 2022-12-01. Review status: criteria provided, single submitter. Criteria: GeneDx Variant Classification Process June 2021. Collection method: clinical testing. Allele origin: germline. Affected: yes.
Comment: Not observed at significant frequency in large population cohorts (gnomAD); In silico analysis supports that this missense variant does not alter protein structure/function; Has not been previously published as pathogenic or benign to our knowledge; This variant is associated with the following publications: (PMID: 25326635, 23472759)

Baylor Genetics
Classification: Uncertain significance for Cobblestone lissencephaly without muscular or ocular involvement. Last evaluated: 2017-09-01. Review status: criteria provided, single submitter. Criteria: ACMG Guidelines, 2015. Collection method: clinical testing. Allele origin: germline. Inheritance: Autosomal recessive inheritance. Affected: yes.
Comment: Heterozygotes are expected to be asymptomatic carriers.

Literature cited by the submitters: PubMed 25326635 (cited by Baylor Genetics).